The following is an entry in ClinVar:

NM_017934.7(PHIP):c.2017+9G>A

Gene: PHIP (PHIP subunit of CUL4-Ring ligase complex; minus strand). Cytogenetic location: 6q14.1.
Variant type: single nucleotide variant.
Coding change: c.2017+9G>A on transcript NM_017934.7 (MANE Select); 9 bases into the intron after coding-DNA position 2017, G replaced by A.
Molecular consequence: intron variant.
Genome position (GRCh38, 1-based): chr6:78,998,245, C>T on the plus strand (G>A on the coding strand, the complement: PHIP is on the minus strand). VCF-style: chr6-78998245-C-T. GRCh37 (hg19) VCF-style: chr6-79707962-C-T.
Identifiers: ClinVar variation 5002475 (VCV005002475.1).

ClinVar aggregate classification (germline): Likely benign (1 of 4 stars; one submission).

Conditions:
PHIP-related disorder. Also called: PHIP-related condition; PHIP-related disorders.

gnomAD v4.1: 2 of 1,602,440 alleles (0.00012%); no homozygotes.

Submission:

PreventionGenetics, part of Exact Sciences
Classification: Likely benign for PHIP-related condition. Last evaluated: 2026-05-26. Review status: criteria provided, single submitter. Criteria: ACMG Guidelines, 2015. Collection method: clinical testing. Allele origin: germline.
Comment: This variant is classified as likely benign based on ACMG/AMP sequence variant interpretation guidelines (Richards et al. 2015 PMID: 25741868, with internal and published modifications).